The following is an entry in ClinVar:

NM_031935.3(HMCN1):c.5705A>G (p.Asn1902Ser)

Gene: HMCN1 (hemicentin 1; plus strand). Cytogenetic location: 1q31.1.
Variant type: single nucleotide variant.
Coding change: c.5705A>G on transcript NM_031935.3 (MANE Select); coding-DNA position 5705, A replaced by G.
Protein change: p.Asn1902Ser; replaces asparagine 1902 with serine.
Molecular consequence: missense variant.
Genome position (GRCh38, 1-based): chr1:186,023,109, A>G. VCF-style: chr1-186023109-A-G. GRCh37 (hg19) VCF-style: chr1-185992241-A-G.
Other names: short protein forms N1902S.
Identifiers: ClinVar variation 3710644 (VCV003710644.2).

ClinVar aggregate classification (germline): Uncertain significance (1 of 4 stars; one submission).

gnomAD v4.1: 23 of 1,613,232 alleles (0.0014%); highest among the groups gnomAD compares: Admixed American, 0.0033%; no homozygotes.

Submission:

Labcorp Genetics (formerly Invitae), Labcorp
Classification: Uncertain significance. Last evaluated: 2024-09-12. Review status: criteria provided, single submitter. Criteria: Invitae Variant Classification Sherloc (09022015). Collection method: clinical testing. Allele origin: germline.
Comment: This sequence change replaces asparagine, which is neutral and polar, with serine, which is neutral and polar, at codon 1902 of the HMCN1 protein (p.Asn1902Ser). This variant is present in population databases (rs370819530, gnomAD 0.004%). This variant has not been reported in the literature in individuals affected with HMCN1-related conditions. An algorithm developed to predict the effect of missense changes on protein structure and function (PolyPhen-2) suggests that this variant is likely to be tolerated. In summary, the available evidence is currently insufficient to determine the role of this variant in disease. Therefore, it has been classified as a Variant of Uncertain Significance.